The following is an entry in ClinVar:

ClinVar aggregate classification (germline): Likely benign (1 of 4 stars; one submission).

Conditions:
PLXNA4-related disorder. Also called: PLXNA4-related condition.

gnomAD v4.1: 3 of 1,614,110 alleles (0.00019%); highest among the groups gnomAD compares: Non-Finnish European, 0.00025%; no homozygotes.

Submission:

PreventionGenetics, part of Exact Sciences
Classification: Likely benign for PLXNA4-related condition. Last evaluated: 2025-04-07. Review status: criteria provided, single submitter. Criteria: ACMG Guidelines, 2015. Collection method: clinical testing. Allele origin: germline.
Comment: This variant is classified as likely benign based on ACMG/AMP sequence variant interpretation guidelines (Richards et al. 2015 PMID: 25741868, with internal and published modifications).

NM_020911.2(PLXNA4):c.630G>C (p.Ala210=)

Gene: PLXNA4 (plexin A4; minus strand). Cytogenetic location: 7q32.3.
Variant type: single nucleotide variant.
Coding change: c.630G>C on transcript NM_020911.2 (MANE Select); coding-DNA position 630, G replaced by C.
Protein change: p.Ala210=; no amino-acid change (alanine 210 retained).
Molecular consequence: synonymous variant.
Genome position (GRCh38, 1-based): chr7:132,508,064, C>G on the plus strand (G>C on the coding strand, the complement: PLXNA4 is on the minus strand). VCF-style: chr7-132508064-C-G. GRCh37 (hg19) VCF-style: chr7-132192823-C-G.
Other names: c.630G>C, p.Ala210= (NM_001105543.2, NM_001393897.1, NM_181775.4).
Identifiers: ClinVar variation 4986160 (VCV004986160.1).